The following is an entry in ClinVar:

NM_003238.6(TGFB2):c.635A>G (p.His212Arg)

Gene: TGFB2 (transforming growth factor beta 2; plus strand). Cytogenetic location: 1q41.
Variant type: single nucleotide variant.
Coding change: c.635A>G on transcript NM_003238.6 (MANE Select); coding-DNA position 635, A replaced by G.
Protein change: p.His212Arg; replaces histidine 212 with arginine.
Molecular consequence: missense variant. On other transcripts: non-coding transcript variant (2).
Genome position (GRCh38, 1-based): chr1:218,434,206, A>G. VCF-style: chr1-218434206-A-G. GRCh37 (hg19) VCF-style: chr1-218607548-A-G.
Other names: c.719A>G, p.His240Arg (NM_001135599.4); short protein forms H212R, H240R.
Identifiers: ClinVar variation 2836703 (VCV002836703.3), dbSNP rs1571901210, ClinGen allele CA344726690.

ClinVar aggregate classification (germline): Uncertain significance (1 of 4 stars; one submission).

Conditions:
Loeys-Dietz syndrome 4 (LDS4). Also called: ANEURYSM, AORTIC AND CEREBRAL, WITH ARTERIAL TORTUOSITY AND SKELETAL MANIFESTATIONS; TGFB2-Related Loeys-Dietz Syndrome. Identifiers: MedGen C3553762, MONDO:0013897, OMIM 614816.

Submission:

Labcorp Genetics (formerly Invitae), Labcorp
Classification: Uncertain significance for Loeys-Dietz syndrome 4. Last evaluated: 2023-03-07. Review status: criteria provided, single submitter. Criteria: Invitae Variant Classification Sherloc (09022015). Collection method: clinical testing. Allele origin: germline.
Comment: This sequence change replaces histidine, which is basic and polar, with arginine, which is basic and polar, at codon 212 of the TGFB2 protein (p.His212Arg). This variant is not present in population databases (gnomAD no frequency). This variant has not been reported in the literature in individuals affected with TGFB2-related conditions. Advanced modeling of protein sequence and biophysical properties (such as structural, functional, and spatial information, amino acid conservation, physicochemical variation, residue mobility, and thermodynamic stability) performed at Invitae indicates that this missense variant is not expected to disrupt TGFB2 protein function. In summary, the available evidence is currently insufficient to determine the role of this variant in disease. Therefore, it has been classified as a Variant of Uncertain Significance.